The following is an entry in ClinVar:

ClinVar aggregate classification (germline): Uncertain significance (1 of 4 stars; one submission).

Conditions:
Brown-Vialetto-van Laere syndrome 2. Also called: SPINOCEREBELLAR ATAXIA WITH BLINDNESS AND DEAFNESS 2; Riboflavin transporter deficiency type 2. Identifiers: Orphanet 572543, Orphanet 97229, MedGen C3553538, MONDO:0013867, OMIM 614707.

Allele frequency attached by ClinVar (database versions not stated): gnomAD exomes 0.00002 and 0.00001; TOPMed 0.00002; ExAC 0.00002.
gnomAD v4.1: 10 of 1,612,960 alleles (0.00062%); highest among the groups gnomAD compares: East Asian, 0.011%; no homozygotes.

Submission:

Labcorp Genetics (formerly Invitae), Labcorp
Classification: Uncertain significance for Brown-Vialetto-van Laere syndrome 2. Last evaluated: 2025-10-22. Review status: criteria provided, single submitter. Criteria: Invitae Variant Classification Sherloc (09022015). Collection method: clinical testing. Allele origin: germline.
Comment: This sequence change replaces serine, which is neutral and polar, with leucine, which is neutral and non-polar, at codon 378 of the SLC52A2 protein (p.Ser378Leu). This variant is present in population databases (rs781888282, gnomAD 0.02%). This variant has not been reported in the literature in individuals affected with SLC52A2-related conditions. ClinVar contains an entry for this variant (Variation ID: 941201). Invitae Evidence Modeling of protein sequence and biophysical properties (such as structural, functional, and spatial information, amino acid conservation, physicochemical variation, residue mobility, and thermodynamic stability) indicates that this missense variant is not expected to disrupt SLC52A2 protein function with a negative predictive value of 95%. In summary, the available evidence is currently insufficient to determine the role of this variant in disease. Therefore, it has been classified as a Variant of Uncertain Significance.

NM_001363118.2(SLC52A2):c.1133C>T (p.Ser378Leu)

Gene: SLC52A2 (solute carrier family 52 member 2; plus strand). Cytogenetic location: 8q24.3.
Variant type: single nucleotide variant.
Coding change: c.1133C>T on transcript NM_001363118.2 (MANE Select); coding-DNA position 1133, C replaced by T.
Protein change: p.Ser378Leu; replaces serine 378 with leucine.
Molecular consequence: missense variant. On other transcripts: non-coding transcript variant (1).
Genome position (GRCh38, 1-based): chr8:144,360,810, C>T. VCF-style: chr8-144360810-C-T. GRCh37 (hg19) VCF-style: chr8-145584470-C-T.
Other names: c.1133C>T, p.Ser378Leu (NM_001253815.2, NM_001253816.2, NM_001363120.2 and 2 more transcripts); c.641C>T, p.Ser214Leu (NM_001363122.2); short protein forms S378L, S214L.
Identifiers: ClinVar variation 941201 (VCV000941201.5), dbSNP rs781888282, ClinGen allele CA4938411.